The following is an entry in ClinVar:

NM_000246.4(CIITA):c.1019A>G (p.Gln340Arg)

Gene: CIITA (class II major histocompatibility complex transactivator; plus strand). Cytogenetic location: 16p13.13.
Variant type: single nucleotide variant.
Coding change: c.1019A>G on transcript NM_000246.4 (MANE Select); coding-DNA position 1019, A replaced by G.
Protein change: p.Gln340Arg; replaces glutamine 340 with arginine.
Molecular consequence: missense variant. On other transcripts: intron variant (1).
Genome position (GRCh38, 1-based): chr16:10,906,511, A>G. VCF-style: chr16-10906511-A-G. GRCh37 (hg19) VCF-style: chr16-11000368-A-G.
Other names: c.1022A>G, p.Gln341Arg (NM_001286402.1, NM_001379332.1); c.875A>G, p.Gln292Arg (NM_001379330.1); c.872A>G, p.Gln291Arg (NM_001379331.1); c.1019A>G, p.Gln340Arg (NM_001379333.1); c.950A>G, p.Gln317Arg (NM_001379334.1); c.859+1699A>G (NM_001286403.2); short protein forms Q317R, Q340R, Q341R, Q291R, Q292R.
Identifiers: ClinVar variation 1385394 (VCV001385394.5), dbSNP rs772860663, ClinGen allele CA7900030.

ClinVar aggregate classification (germline): Uncertain significance (1 of 4 stars; one submission).

Conditions:
MHC class II deficiency. Also called: BLS, TYPE II; Bare lymphocyte syndrome 2. Identifiers: Orphanet 572, MedGen C5447452, MONDO:0008855.

Allele frequency attached by ClinVar (database versions not stated): gnomAD exomes below 0.00001; TOPMed below 0.00001; ExAC 0.00001.
gnomAD v4.1: 2 of 1,611,966 alleles (0.00012%); highest among the groups gnomAD compares: Admixed American, 0.0033%; no homozygotes.

Submission:

Labcorp Genetics (formerly Invitae), Labcorp
Classification: Uncertain significance for MHC class II deficiency. Last evaluated: 2022-08-23. Review status: criteria provided, single submitter. Criteria: Invitae Variant Classification Sherloc (09022015). Collection method: clinical testing. Allele origin: germline.
Comment: This sequence change replaces glutamine, which is neutral and polar, with arginine, which is basic and polar, at codon 340 of the CIITA protein (p.Gln340Arg). This variant is present in population databases (rs772860663, gnomAD 0.003%). This variant has not been reported in the literature in individuals affected with CIITA-related conditions. ClinVar contains an entry for this variant (Variation ID: 1385394). Algorithms developed to predict the effect of missense changes on protein structure and function output the following: SIFT: "Tolerated"; PolyPhen-2: "Benign"; Align-GVGD: "Class C0". The arginine amino acid residue is found in multiple mammalian species, which suggests that this missense change does not adversely affect protein function. In summary, the available evidence is currently insufficient to determine the role of this variant in disease. Therefore, it has been classified as a Variant of Uncertain Significance.